The following is an entry in ClinVar:

NM_000049.4(ASPA):c.530T>C (p.Ile177Thr)

Genes: SPATA22 (spermatogenesis associated 22; minus strand), ASPA (aspartoacylase; plus strand). Cytogenetic location: 17p13.2.
Variant type: single nucleotide variant.
Coding change: c.530T>C on transcript NM_000049.4 (MANE Select); coding-DNA position 530, T replaced by C.
Protein change: p.Ile177Thr; replaces isoleucine 177 with threonine.
Molecular consequence: missense variant. On other transcripts: intron variant (2).
Genome position (GRCh38, 1-based): chr17:3,489,238, T>C. VCF-style: chr17-3489238-T-C. GRCh37 (hg19) VCF-style: chr17-3392532-T-C.
Other names: c.530T>C, p.Ile177Thr (NM_001128085.1); c.-73-19840A>G (NM_001321336.2, NM_001321337.2); short protein forms I177T.
Identifiers: ClinVar variation 813898 (VCV000813898.7), dbSNP rs1597438977, ClinGen allele CA397684440.
Genomic context (GRCh38, chr17:3,489,238, plus strand): 5'-TTTTATAATATATTTTCATACTTATATAAATGTGACTATCTCTCCTTCTGTACCTAGGTA[T>C]AGAAGTTGGTCCTCAGCCTCAAGGGGTTCTGAGAGCTGATATCTTGGATCAAATGAGAAA-3'
Protein context (NP_000040.1, residues 167-187): TRSIAKYPVG[Ile177Thr]EVGPQPQGVL

ClinVar aggregate classification (germline): Conflicting classifications of pathogenicity. Review status: criteria provided, conflicting classifications (1 of 4 stars). 3 submissions from 3 submitters: Pathogenic (1); Likely pathogenic (1); Uncertain significance (1). Last evaluated 2024-10-17.

Conditions:
Spongy degeneration of central nervous system. Also called: ACY2 DEFICIENCY; AMINOACYLASE 2 DEFICIENCY; ASP DEFICIENCY; ASPA DEFICIENCY; ASPARTOACYLASE DEFICIENCY; CANAVAN-VAN BOGAERT-BERTRAND DISEASE. Identifiers: Orphanet 141, MedGen C0206307, MONDO:0010079, OMIM 271900.

Allele frequency attached by ClinVar (database versions not stated): TOPMed below 0.00001.

Submissions (3):

Natera, Inc.
Classification: Likely pathogenic for Canavan Disease. Last evaluated: 2024-10-17. Review status: criteria provided, single submitter. Criteria: Natera Variant Classification Schema (03/2026). Collection method: clinical testing. Allele origin: germline.
Comment: The c.530T>C variant in ASPA is a missense variant predicted to cause substitution of isoleucine to threonine at amino acid 177. This variant is rare in the general population with a frequency below the threshold expected for the associated phenotype(s). This variant has been observed in one or more individuals affected with the associated recessive disease, as either homozygous or compound heterozygous with a second variant (PMID: 24036223). Additionally, this variant has been observed to segregate in affected family members (PMID: 24036223). Functional studies show that this variant may disrupt protein function (PMID: 24036223). Computational prediction algorithms indicate this variant is likely to affect gene or protein function. Given the available evidence, this variant is classified as Likely Pathogenic.

Labcorp Genetics (formerly Invitae), Labcorp
Classification: Pathogenic for Spongy degeneration of central nervous system. Last evaluated: 2023-10-08. Review status: criteria provided, single submitter. Criteria: Invitae Variant Classification Sherloc (09022015). Collection method: clinical testing. Allele origin: germline.
Comment: This sequence change replaces isoleucine, which is neutral and non-polar, with threonine, which is neutral and polar, at codon 177 of the ASPA protein (p.Ile177Thr). This variant is not present in population databases (gnomAD no frequency). This missense change has been observed in individual(s) with Canavan disease (PMID: 24036223). It has also been observed to segregate with disease in related individuals. ClinVar contains an entry for this variant (Variation ID: 813898). Advanced modeling of protein sequence and biophysical properties (such as structural, functional, and spatial information, amino acid conservation, physicochemical variation, residue mobility, and thermodynamic stability) performed at Invitae indicates that this missense variant is expected to disrupt ASPA protein function. Experimental studies have shown that this missense change affects ASPA function (PMID: 24036223). For these reasons, this variant has been classified as Pathogenic.

Broad Center for Mendelian Genomics, Broad Institute of MIT and Harvard
Classification: Uncertain significance for Spongy degeneration of central nervous system. Last evaluated: 2018-12-03. Review status: criteria provided, single submitter. Criteria: ACMG Guidelines, 2015. Collection method: research. Allele origin: germline. Inheritance: Autosomal recessive inheritance. Affected: yes.
Comment: The p.Ile177Thr variant in ASPA has not been previously reported in individuals with Canavan disease and was absent from large population studies. Computational prediction tools suggest that this variant may impact the protein, though this information is not predictive enough to determine pathogenicity. In summary, the clinical significance of the p.Ile177Thr variant is uncertain. ACMG/AMP Criteria applied: PM2, PP3 (Richards 2015).

Literature cited by the submitters: PubMed 24036223 (cited by Natera, Inc. and Labcorp Genetics (formerly Invitae), Labcorp).